The following is an entry in ClinVar:

ClinVar aggregate classification (germline): Benign/Likely benign. Review status: criteria provided, multiple submitters, no conflicts (2 of 4 stars). 5 submissions from 5 submitters: Benign (1); Likely benign (3). 1 of the submissions does not count toward it. Last evaluated 2025-11-17.

Conditions:
MED13L-related disorder. Also called: MED13L-related condition.
Dextro-looped transposition of the great arteries. Also called: Dextrotransposition of the great arteries. Identifiers: Orphanet 860, MedGen C3531771, MONDO:0019443, OMIM 608808, HP:0031348.
Inborn genetic diseases. Identifiers: MedGen C0950123, MeSH D030342.

Allele frequency attached by ClinVar (database versions not stated): TOPMed 0.00004; gnomAD exomes 0.00007 and 0.00012; gnomAD 0.00008; ExAC 0.00011.
gnomAD v4.1: 118 of 1,613,988 alleles (0.0073%); highest among the groups gnomAD compares: Middle Eastern, 0.082%; 1 homozygote.

Submissions (5):

Labcorp Genetics (formerly Invitae), Labcorp
Classification: Likely benign for Dextro-looped transposition of the great arteries. Last evaluated: 2025-11-17. Review status: criteria provided, single submitter. Criteria: Invitae Variant Classification Sherloc (09022015). Collection method: clinical testing. Allele origin: germline.

Ambry Genetics
Classification: Likely benign for Inborn genetic diseases. Last evaluated: 2024-10-01. Review status: criteria provided, single submitter. Criteria: Ambry Variant Classification Scheme 2023. Collection method: clinical testing. Allele origin: germline.

GeneDx
Classification: Benign. Last evaluated: 2020-04-13. Review status: criteria provided, single submitter. Criteria: GeneDx Variant Classification Process June 2021. Collection method: clinical testing. Allele origin: germline. Affected: yes.
Comment: In silico analysis supports that this missense variant has a deleterious effect on protein structure/function; Has not been previously published as pathogenic or benign to our knowledge

Breakthrough Genomics
Classification: Likely benign. Review status: criteria provided, single submitter. Criteria: ACMG Guidelines, 2015. Collection method: not provided. Allele origin: germline. Inheritance: Autosomal dominant inheritance. Affected: yes.

PreventionGenetics, part of Exact Sciences
Classification: Likely benign for MED13L-related condition. Last evaluated: 2023-08-17. Review status: no assertion criteria provided. Collection method: clinical testing. Allele origin: germline. Not counted in ClinVar's aggregate classification.
Comment: This variant is classified as likely benign based on ACMG/AMP sequence variant interpretation guidelines (Richards et al. 2015 PMID: 25741868, with internal and published modifications).

NM_015335.5(MED13L):c.1564A>G (p.Ser522Gly)

Gene: MED13L (mediator complex subunit 13L; minus strand). Cytogenetic location: 12q24.21.
Variant type: single nucleotide variant.
Coding change: c.1564A>G on transcript NM_015335.5 (MANE Select); coding-DNA position 1564, A replaced by G.
Protein change: p.Ser522Gly; replaces serine 522 with glycine.
Molecular consequence: missense variant.
Genome position (GRCh38, 1-based): chr12:116,008,849, T>C on the plus strand (A>G on the coding strand, the complement: MED13L is on the minus strand). VCF-style: chr12-116008849-T-C. GRCh37 (hg19) VCF-style: chr12-116446654-T-C.
Other names: short protein forms S522G.
Identifiers: ClinVar variation 1119633 (VCV001119633.14), dbSNP rs201414612, ClinGen allele CA6811398.